The following is an entry in ClinVar:

ClinVar aggregate classification (germline): Benign/Likely benign. Review status: criteria provided, multiple submitters, no conflicts (2 of 4 stars). 7 submissions from 7 submitters: Benign (2); Likely benign (5). Last evaluated 2026-02-02.

Conditions:
Hereditary cancer-predisposing syndrome. Also called: Neoplastic Syndromes, Hereditary; Hereditary Cancer Syndrome; Tumor predisposition; Hereditary neoplastic syndrome. Identifiers: Orphanet 140162, MedGen C0027672, MeSH D009386, MONDO:0015356.
Familial cancer of breast. Also called: Hereditary breast cancer; BREAST CANCER, FAMILIAL; hereditary breast carcinoma. Identifiers: Orphanet 227535, MedGen C0346153, MONDO:0016419, OMIM 114480. Disease mechanism: loss of function.
Ataxia-telangiectasia syndrome (AT). Also called: LOUIS-BAR SYNDROME; Cerebello-oculocutaneous telangiectasia; Immunodeficiency with ataxia telangiectasia; Ataxia-telangiectasia, complementation group D; AT, COMPLEMENTATION GROUP C; Ataxia-telangiectasia, complementation group E. Identifiers: Orphanet 100, MedGen C0004135, MONDO:0008840, OMIM 208900.

Allele frequency attached by ClinVar (database versions not stated): gnomAD 0.00001; 1000 Genomes Project 0.00020; 1000 Genomes Project 30x 0.00031; ExAC 0.00002; gnomAD exomes 0.00004.
gnomAD v4.1: 21 of 1,613,354 alleles (0.0013%); highest among the groups gnomAD compares: South Asian, 0.019%; no homozygotes.

Submissions (7):

Labcorp Genetics (formerly Invitae), Labcorp
Classification: Likely benign for Ataxia-telangiectasia syndrome. Last evaluated: 2026-02-02. Review status: criteria provided, single submitter. Criteria: Invitae Variant Classification Sherloc (09022015). Collection method: clinical testing. Allele origin: germline.

Center for Genomic Medicine, Rigshospitalet, Copenhagen University Hospital
Classification: Likely benign. Last evaluated: 2025-03-04. Review status: criteria provided, single submitter. Criteria: ACMG Guidelines, 2015. Collection method: clinical testing. Allele origin: germline.

KCCC/NGS Laboratory, Kuwait Cancer Control Center
Classification: Benign for Familial cancer of breast. Last evaluated: 2025-02-01. Review status: criteria provided, single submitter. Criteria: ACMG Guidelines, 2015. Collection method: clinical testing. Allele origin: germline. Affected: no.

Myriad Genetics, Inc.
Classification: Benign for Familial cancer of breast. Last evaluated: 2024-05-24. Review status: criteria provided, single submitter. Criteria: Myriad Autosomal Dominant, Autosomal Recessive and X-Linked Classification Criteria (2023). Collection method: clinical testing. Allele origin: unknown.
Comment: This variant is considered benign. This variant is a silent/synonymous amino acid change and it is not expected to impact splicing.

Fulgent Genetics
Classification: Likely benign for Familial cancer of breast; Ataxia-telangiectasia syndrome. Last evaluated: 2021-11-30. Review status: criteria provided, single submitter. Criteria: ACMG Guidelines, 2015. Collection method: clinical testing. Allele origin: unknown.

Color Diagnostics, LLC DBA Color Health
Classification: Likely benign for Hereditary cancer-predisposing syndrome. Last evaluated: 2017-10-09. Review status: criteria provided, single submitter. Criteria: ACMG Guidelines, 2015. Collection method: clinical testing. Allele origin: germline.

Ambry Genetics
Classification: Likely benign for Hereditary cancer-predisposing syndrome. Last evaluated: 2016-03-01. Review status: criteria provided, single submitter. Criteria: Ambry Variant Classification Scheme 2023. Collection method: clinical testing. Allele origin: germline.

NM_000051.4(ATM):c.5868C>T (p.Leu1956=)

Genes: ATM (ATM serine/threonine kinase; plus strand), C11orf65 (chromosome 11 open reading frame 65; minus strand). Cytogenetic location: 11q22.3.
Variant type: single nucleotide variant.
Coding change: c.5868C>T on transcript NM_000051.4 (MANE Select); coding-DNA position 5868, C replaced by T.
Protein change: p.Leu1956=; no amino-acid change (leucine 1956 retained).
Molecular consequence: synonymous variant. On other transcripts: intron variant (2).
Genome position (GRCh38, 1-based): chr11:108,310,265, C>T. VCF-style: chr11-108310265-C-T. GRCh37 (hg19) VCF-style: chr11-108180992-C-T.
Other names: c.5868C>T, p.Leu1956= (NM_001351834.2); c.641-1194G>A (NM_001330368.2); c.*39-1194G>A (NM_001351110.2).
Identifiers: ClinVar variation 453600 (VCV000453600.23), dbSNP rs540054724, ClinGen allele CA6265793.